The following is an entry in ClinVar:

ClinVar aggregate classification (germline): Uncertain significance. Review status: criteria provided, multiple submitters, no conflicts (2 of 4 stars). 2 submissions from 2 submitters: Uncertain significance (2). Last evaluated 2024-02-20.

Conditions:
Familial cancer of breast. Also called: Hereditary breast cancer; hereditary breast carcinoma; BREAST CANCER, FAMILIAL. Identifiers: Orphanet 227535, MedGen C0346153, MONDO:0016419, OMIM 114480. Disease mechanism: loss of function.
Hereditary cancer-predisposing syndrome. Also called: Neoplastic Syndromes, Hereditary; Hereditary Cancer Syndrome; Tumor predisposition; Hereditary neoplastic syndrome. Identifiers: Orphanet 140162, MedGen C0027672, MeSH D009386, MONDO:0015356.

Allele frequency attached by ClinVar (database versions not stated): gnomAD exomes below 0.00001.
gnomAD v4.1: 1 of 1,614,112 alleles (0.000062%); highest among the groups gnomAD compares: Admixed American, 0.0017%; no homozygotes.

Submissions (2):

Ambry Genetics
Classification: Uncertain significance for Hereditary cancer-predisposing syndrome. Last evaluated: 2024-02-20. Review status: criteria provided, single submitter. Criteria: Ambry Variant Classification Scheme 2023. Collection method: clinical testing. Allele origin: germline.
Comment: The p.E1081G variant (also known as c.3242A>G), located in coding exon 12 of the PALB2 gene, results from an A to G substitution at nucleotide position 3242. The glutamic acid at codon 1081 is replaced by glycine, an amino acid with similar properties. This amino acid position is well conserved in available vertebrate species. In addition, this alteration is predicted to be tolerated by in silico analysis. Since supporting evidence is limited at this time, the clinical significance of this alteration remains unclear.

Labcorp Genetics (formerly Invitae), Labcorp
Classification: Uncertain significance for Familial cancer of breast. Last evaluated: 2022-02-20. Review status: criteria provided, single submitter. Criteria: Invitae Variant Classification Sherloc (09022015). Collection method: clinical testing. Allele origin: germline.
Comment: ClinVar contains an entry for this variant (Variation ID: 582313). This variant has not been reported in the literature in individuals affected with PALB2-related conditions. This variant is present in population databases (no rsID available, gnomAD 0.003%). This sequence change replaces glutamic acid, which is acidic and polar, with glycine, which is neutral and non-polar, at codon 1081 of the PALB2 protein (p.Glu1081Gly). Algorithms developed to predict the effect of missense changes on protein structure and function are either unavailable or do not agree on the potential impact of this missense change (SIFT: "Tolerated"; PolyPhen-2: "Possibly Damaging"; Align-GVGD: "Class C0"). In summary, the available evidence is currently insufficient to determine the role of this variant in disease. Therefore, it has been classified as a Variant of Uncertain Significance.

NM_024675.4(PALB2):c.3242A>G (p.Glu1081Gly)

Gene: PALB2 (partner and localizer of BRCA2; minus strand). Cytogenetic location: 16p12.2.
Variant type: single nucleotide variant.
Coding change: c.3242A>G on transcript NM_024675.4 (MANE Select); coding-DNA position 3242, A replaced by G.
Protein change: p.Glu1081Gly; replaces glutamic acid 1081 with glycine.
Molecular consequence: missense variant.
Genome position (GRCh38, 1-based): chr16:23,607,972, T>C on the plus strand (A>G on the coding strand, the complement: PALB2 is on the minus strand). VCF-style: chr16-23607972-T-C. GRCh37 (hg19) VCF-style: chr16-23619293-T-C.
Other names: short protein forms E1081G.
Identifiers: ClinVar variation 582313 (VCV000582313.12), dbSNP rs1363812475, ClinGen allele CA395139900.